The following is an entry in ClinVar:

ClinVar aggregate classification (germline): Uncertain significance. Review status: criteria provided, multiple submitters, no conflicts (2 of 4 stars). 3 submissions from 3 submitters: Uncertain significance (3). Last evaluated 2024-07-31.

Conditions:
Gorlin syndrome. Also called: Nevoid Basal Cell Carcinoma Syndrome; Basal cell nevus syndrome. Identifiers: Orphanet 377, MedGen C0004779, MONDO:0007187.
Hereditary cancer-predisposing syndrome. Also called: Hereditary Cancer Syndrome; Hereditary neoplastic syndrome; Neoplastic Syndromes, Hereditary; Tumor predisposition. Identifiers: Orphanet 140162, MedGen C0027672, MeSH D009386, MONDO:0015356.

Allele frequency attached by ClinVar (database versions not stated): TOPMed below 0.00001.

Submissions (3):

Blueprint Genetics
Classification: Uncertain significance. Last evaluated: 2024-07-31. Review status: criteria provided, single submitter. Criteria: ACMG Guidelines, 2015. Collection method: clinical testing. Allele origin: germline.

Labcorp Genetics (formerly Invitae), Labcorp
Classification: Uncertain significance for Gorlin syndrome. Last evaluated: 2023-04-14. Review status: criteria provided, single submitter. Criteria: Invitae Variant Classification Sherloc (09022015). Collection method: clinical testing. Allele origin: germline.
Comment: In summary, the available evidence is currently insufficient to determine the role of this variant in disease. Therefore, it has been classified as a Variant of Uncertain Significance. Advanced modeling of protein sequence and biophysical properties (such as structural, functional, and spatial information, amino acid conservation, physicochemical variation, residue mobility, and thermodynamic stability) has been performed at Invitae for this missense variant, however the output from this modeling did not meet the statistical confidence thresholds required to predict the impact of this variant on PTCH1 protein function. This sequence change replaces cysteine, which is neutral and slightly polar, with tyrosine, which is neutral and polar, at codon 56 of the PTCH1 protein (p.Cys56Tyr). This variant is not present in population databases (gnomAD no frequency). This variant has not been reported in the literature in individuals affected with PTCH1-related conditions. ClinVar contains an entry for this variant (Variation ID: 1777876).

Ambry Genetics
Classification: Uncertain significance for Hereditary cancer-predisposing syndrome. Last evaluated: 2022-10-09. Review status: criteria provided, single submitter. Criteria: Ambry Variant Classification Scheme 2023. Collection method: clinical testing. Allele origin: germline.
Comment: The p.C56Y variant (also known as c.167G>A), located in coding exon 1 of the PTCH1 gene, results from a G to A substitution at nucleotide position 167. The cysteine at codon 56 is replaced by tyrosine, an amino acid with highly dissimilar properties. This amino acid position is conserved. In addition, this alteration is predicted to be deleterious by in silico analysis. Since supporting evidence is limited at this time, the clinical significance of this alteration remains unclear.

NM_000264.5(PTCH1):c.167G>A (p.Cys56Tyr)

Gene: PTCH1 (patched 1; minus strand). Cytogenetic location: 9q22.32.
Variant type: single nucleotide variant.
Coding change: c.167G>A on transcript NM_000264.5 (MANE Select); coding-DNA position 167, G replaced by A.
Protein change: p.Cys56Tyr; replaces cysteine 56 with tyrosine.
Molecular consequence: missense variant. On other transcripts: non-coding transcript variant (1), intron variant (3).
Genome position (GRCh38, 1-based): chr9:95,508,195, C>T on the plus strand (G>A on the coding strand, the complement: PTCH1 is on the minus strand). VCF-style: chr9-95508195-C-T. GRCh37 (hg19) VCF-style: chr9-98270477-C-T.
Other names: c.167G>A, p.Cys56Tyr (NM_001354918.2); c.199-1596G>A (NM_001083603.3); c.4-1596G>A (NM_001083602.3, NM_001354919.2); short protein forms C56Y.
Identifiers: ClinVar variation 1777876 (VCV001777876.6), dbSNP rs1843888677, ClinGen allele CA374121312.